The following is an entry in ClinVar:

ClinVar aggregate classification (germline): Uncertain significance (1 of 4 stars; one submission).

Conditions:
CHARGE syndrome (CHARGE). Also called: Hittner Hirsch Kreh syndrome; CHARGE ASSOCIATION--COLOBOMA, HEART ANOMALY, CHOANAL ATRESIA, RETARDATION, GENITAL AND EAR ANOMALIES; Coloboma, heart anomaly, choanal atresia, retardation, genital and ear anomalies; CHARGE association; Hall-Hittner syndrome. Identifiers: Orphanet 138, MedGen C0265354, MONDO:0008965.

gnomAD v4.1: 2 of 1,613,310 alleles (0.00012%); highest among the groups gnomAD compares: African/African-American, 0.0013%; no homozygotes.

Submission:

Labcorp Genetics (formerly Invitae), Labcorp
Classification: Uncertain significance for CHARGE syndrome. Last evaluated: 2024-12-31. Review status: criteria provided, single submitter. Criteria: Invitae Variant Classification Sherloc (09022015). Collection method: clinical testing. Allele origin: germline.
Comment: This sequence change replaces glutamic acid, which is acidic and polar, with glycine, which is neutral and non-polar, at codon 1610 of the CHD7 protein (p.Glu1610Gly). This variant is not present in population databases (gnomAD no frequency). This variant has not been reported in the literature in individuals affected with CHD7-related conditions. Invitae Evidence Modeling of protein sequence and biophysical properties (such as structural, functional, and spatial information, amino acid conservation, physicochemical variation, residue mobility, and thermodynamic stability) indicates that this missense variant is expected to disrupt CHD7 protein function with a positive predictive value of 95%. In summary, the available evidence is currently insufficient to determine the role of this variant in disease. Therefore, it has been classified as a Variant of Uncertain Significance.

NM_017780.4(CHD7):c.4829A>G (p.Glu1610Gly)

Gene: CHD7 (chromodomain helicase DNA binding protein 7; plus strand). Cytogenetic location: 8q12.2.
Variant type: single nucleotide variant.
Coding change: c.4829A>G on transcript NM_017780.4 (MANE Select); coding-DNA position 4829, A replaced by G.
Protein change: p.Glu1610Gly; replaces glutamic acid 1610 with glycine.
Molecular consequence: missense variant. On other transcripts: intron variant (1).
Genome position (GRCh38, 1-based): chr8:60,842,031, A>G. VCF-style: chr8-60842031-A-G. GRCh37 (hg19) VCF-style: chr8-61754590-A-G.
Other names: c.1717-20198A>G (NM_001316690.1); short protein forms E1610G.
Identifiers: ClinVar variation 3715555 (VCV003715555.2).